The following is an entry in ClinVar:

NM_003072.5(SMARCA4):c.1111G>A (p.Glu371Lys)

Gene: SMARCA4 (SWI/SNF related BAF chromatin remodeling complex subunit ATPase 4; plus strand). Cytogenetic location: 19p13.2.
Variant type: single nucleotide variant.
Coding change: c.1111G>A on transcript NM_003072.5 (MANE Select); coding-DNA position 1111, G replaced by A.
Protein change: p.Glu371Lys; replaces glutamic acid 371 with lysine.
Molecular consequence: missense variant. On other transcripts: non-coding transcript variant (1).
Genome position (GRCh38, 1-based): chr19:10,987,917, G>A. VCF-style: chr19-10987917-G-A. GRCh37 (hg19) VCF-style: chr19-11098593-G-A.
Other names: c.1111G>A, p.Glu371Lys (NM_001128844.3, NM_001128845.2, NM_001128846.2 and 5 more transcripts); short protein forms E371K.
Identifiers: ClinVar variation 664134 (VCV000664134.15), dbSNP rs1599972601, ClinGen allele CA404058947.

ClinVar aggregate classification (germline): Uncertain significance. Review status: criteria provided, multiple submitters, no conflicts (2 of 4 stars). 3 submissions from 3 submitters: Uncertain significance (3). Last evaluated 2024-07-19.

Conditions:
Intellectual disability, autosomal dominant 16 (CSS4). Also called: COFFIN-SIRIS SYNDROME 4. Identifiers: Orphanet 1465, MedGen C3553249, MONDO:0013821, OMIM 614609.
Hereditary cancer-predisposing syndrome. Also called: Tumor predisposition; Hereditary neoplastic syndrome; Neoplastic Syndromes, Hereditary; Hereditary Cancer Syndrome. Identifiers: Orphanet 140162, MedGen C0027672, MeSH D009386, MONDO:0015356.
Rhabdoid tumor predisposition syndrome 2 (RTPS2). Identifiers: Orphanet 231108, Orphanet 69077, MedGen C2750074, MONDO:0013224, OMIM 613325.

Allele frequency attached by ClinVar (database versions not stated): gnomAD exomes below 0.00001; TOPMed 0.00001.
gnomAD v4.1: 2 of 1,612,598 alleles (0.00012%); highest among the groups gnomAD compares: Non-Finnish European, 0.00017%; no homozygotes.

Submissions (3):

Labcorp Genetics (formerly Invitae), Labcorp
Classification: Uncertain significance for Rhabdoid tumor predisposition syndrome 2. Last evaluated: 2024-07-19. Review status: criteria provided, single submitter. Criteria: Invitae Variant Classification Sherloc (09022015). Collection method: clinical testing. Allele origin: germline.
Comment: This sequence change replaces glutamic acid, which is acidic and polar, with lysine, which is basic and polar, at codon 371 of the SMARCA4 protein (p.Glu371Lys). This variant is not present in population databases (gnomAD no frequency). This variant has not been reported in the literature in individuals affected with SMARCA4-related conditions. ClinVar contains an entry for this variant (Variation ID: 664134). Advanced modeling of protein sequence and biophysical properties (such as structural, functional, and spatial information, amino acid conservation, physicochemical variation, residue mobility, and thermodynamic stability) performed at Invitae indicates that this missense variant is expected to disrupt SMARCA4 protein function with a positive predictive value of 95%. In summary, the available evidence is currently insufficient to determine the role of this variant in disease. Therefore, it has been classified as a Variant of Uncertain Significance.

Genome-Nilou Lab
Classification: Uncertain significance for Intellectual disability, autosomal dominant 16. Last evaluated: 2021-07-15. Review status: criteria provided, single submitter. Criteria: ACMG Guidelines, 2015. Collection method: clinical testing. Allele origin: germline. Affected: no.

Ambry Genetics
Classification: Uncertain significance for Hereditary cancer-predisposing syndrome. Last evaluated: 2018-04-20. Review status: criteria provided, single submitter. Criteria: Ambry Variant Classification Scheme 2023. Collection method: clinical testing. Allele origin: germline.
Comment: The p.E371K variant (also known as c.1111G>A), located in coding exon 5 of the SMARCA4 gene, results from a G to A substitution at nucleotide position 1111. The glutamic acid at codon 371 is replaced by lysine, an amino acid with similar properties. This amino acid position is highly conserved in available vertebrate species. In addition, this alteration is predicted to be deleterious by in silico analysis. Since supporting evidence is limited at this time, the clinical significance of this alteration remains unclear.